The following is an entry in ClinVar:

NM_001035.3(RYR2):c.9799G>A (p.Ala3267Thr)

Gene: RYR2 (ryanodine receptor 2; plus strand). Cytogenetic location: 1q43.
Variant type: single nucleotide variant.
Coding change: c.9799G>A on transcript NM_001035.3 (MANE Select); coding-DNA position 9799, G replaced by A.
Protein change: p.Ala3267Thr; replaces alanine 3267 with threonine.
Molecular consequence: missense variant.
Genome position (GRCh38, 1-based): chr1:237,707,167, G>A. VCF-style: chr1-237707167-G-A. GRCh37 (hg19) VCF-style: chr1-237870467-G-A.
Other names: short protein forms A3267T.
Identifiers: ClinVar variation 2804840 (VCV002804840.3), dbSNP rs962466575, ClinGen allele CA39791901.

ClinVar aggregate classification (germline): Uncertain significance. Review status: criteria provided, multiple submitters, no conflicts (2 of 4 stars). 2 submissions from 2 submitters: Uncertain significance (2). Last evaluated 2023-12-12.

Conditions:
Catecholaminergic polymorphic ventricular tachycardia 1. Also called: RYR2-Related Catecholaminergic Polymorphic Ventricular Tachycardia; VENTRICULAR TACHYCARDIA, CATECHOLAMINERGIC POLYMORPHIC, 1, WITH OR WITHOUT ATRIAL DYSFUNCTION AND/OR DILATED CARDIOMYOPATHY; VENTRICULAR TACHYCARDIA, STRESS-INDUCED POLYMORPHIC 1. Identifiers: Orphanet 3286, MedGen C1631597, MONDO:0011484, OMIM 604772.
Cardiomyopathy (CMYO). Also called: Cardiomyopathies. Identifiers: Orphanet 167848, MedGen C0878544, MONDO:0004994, HP:0001638. Inheritance: Various modes of inheritance.

Submissions (2):

Labcorp Genetics (formerly Invitae), Labcorp
Classification: Uncertain significance for Catecholaminergic polymorphic ventricular tachycardia 1. Last evaluated: 2023-12-12. Review status: criteria provided, single submitter. Criteria: Invitae Variant Classification Sherloc (09022015). Collection method: clinical testing. Allele origin: germline.
Comment: This sequence change replaces alanine, which is neutral and non-polar, with threonine, which is neutral and polar, at codon 3267 of the RYR2 protein (p.Ala3267Thr). This variant is not present in population databases (gnomAD no frequency). This variant has not been reported in the literature in individuals affected with RYR2-related conditions. Advanced modeling of protein sequence and biophysical properties (such as structural, functional, and spatial information, amino acid conservation, physicochemical variation, residue mobility, and thermodynamic stability) performed at Invitae indicates that this missense variant is not expected to disrupt RYR2 protein function with a negative predictive value of 95%. In summary, the available evidence is currently insufficient to determine the role of this variant in disease. Therefore, it has been classified as a Variant of Uncertain Significance.

Color Diagnostics, LLC DBA Color Health
Classification: Uncertain significance for Cardiomyopathy. Last evaluated: 2023-11-08. Review status: criteria provided, single submitter. Criteria: ACMG Guidelines, 2015. Collection method: clinical testing. Allele origin: germline.
Comment: This missense variant replaces alanine with threonine at codon 3267 of the RYR2 protein. Computational prediction suggests that this variant may not impact protein structure and function. To our knowledge, functional studies have not been reported for this variant. This variant has not been reported in individuals affected with RYR2-related disorders in the literature. This variant has not been identified in the general population by the Genome Aggregation Database (gnomAD). The available evidence is insufficient to determine the role of this variant in disease conclusively. Therefore, this variant is classified as a Variant of Uncertain Significance.